The following is an entry in ClinVar:

NM_001041.4(SI):c.1702A>G (p.Ile568Val)

Gene: SI (sucrase-isomaltase; minus strand). Cytogenetic location: 3q26.1.
Variant type: single nucleotide variant.
Coding change: c.1702A>G on transcript NM_001041.4 (MANE Select); coding-DNA position 1702, A replaced by G.
Protein change: p.Ile568Val; replaces isoleucine 568 with valine.
Molecular consequence: missense variant.
Genome position (GRCh38, 1-based): chr3:165,049,140, T>C on the plus strand (A>G on the coding strand, the complement: SI is on the minus strand). VCF-style: chr3-165049140-T-C. GRCh37 (hg19) VCF-style: chr3-164766928-T-C.
Other names: short protein forms I568V.
Identifiers: ClinVar variation 1948014 (VCV001948014.2), dbSNP rs1161612078, ClinGen allele CA355052873.

ClinVar aggregate classification (germline): Uncertain significance (1 of 4 stars; one submission).

Allele frequency attached by ClinVar (database versions not stated): gnomAD exomes below 0.00001.
gnomAD v4.1: 6 of 1,567,900 alleles (0.00038%); highest among the groups gnomAD compares: Admixed American, 0.0017%; no homozygotes.

Submission:

Labcorp Genetics (formerly Invitae), Labcorp
Classification: Uncertain significance. Last evaluated: 2022-04-16. Review status: criteria provided, single submitter. Criteria: Invitae Variant Classification Sherloc (09022015). Collection method: clinical testing. Allele origin: germline.
Comment: This sequence change replaces isoleucine, which is neutral and non-polar, with valine, which is neutral and non-polar, at codon 568 of the SI protein (p.Ile568Val). This variant is present in population databases (no rsID available, gnomAD 0.003%). This variant has not been reported in the literature in individuals affected with SI-related conditions. Advanced modeling of protein sequence and biophysical properties (such as structural, functional, and spatial information, amino acid conservation, physicochemical variation, residue mobility, and thermodynamic stability) performed at Invitae indicates that this missense variant is not expected to disrupt SI protein function. In summary, the available evidence is currently insufficient to determine the role of this variant in disease. Therefore, it has been classified as a Variant of Uncertain Significance.